The following is an entry in ClinVar:

ClinVar aggregate classification (germline): Pathogenic (1 of 4 stars; one submission).

Conditions:
Hereditary breast ovarian cancer syndrome. Also called: Hereditary breast and ovarian cancer; BRCA1- and BRCA2-Associated Hereditary Breast and Ovarian Cancer; Hereditary breast and ovarian cancer syndrome; Breast and ovarian cancer; Hereditary breast and ovarian cancer syndrome (HBOC); Hereditary breast and/or ovarian cancer syndrome. Identifiers: Orphanet 145, MedGen C0677776, MeSH D061325, MONDO:0003582. Disease mechanism: loss of function.

Submission:

Labcorp Genetics (formerly Invitae), Labcorp
Classification: Pathogenic for Hereditary breast ovarian cancer syndrome. Last evaluated: 2022-12-07. Review status: criteria provided, single submitter. Criteria: Invitae Variant Classification Sherloc (09022015). Collection method: clinical testing. Allele origin: germline.
Comment: For these reasons, this variant has been classified as Pathogenic. This variant has not been reported in the literature in individuals affected with BRCA2-related conditions. This variant is not present in population databases (gnomAD no frequency). This sequence change creates a premature translational stop signal (p.Ile1436Leufs*12) in the BRCA2 gene. It is expected to result in an absent or disrupted protein product. Loss-of-function variants in BRCA2 are known to be pathogenic (PMID: 20104584).

Literature cited by the submitters: PubMed 20104584.

NM_000059.4(BRCA2):c.4306del (p.Ile1436fs)

Gene: BRCA2 (BRCA2 DNA repair associated; plus strand). Cytogenetic location: 13q13.1.
Variant type: Deletion.
Coding change: c.4306del on transcript NM_000059.4 (MANE Select); coding-DNA position 4306, one base deleted (A; older notation c.4306delA).
Protein change: p.Ile1436fs; shifts the reading frame from isoleucine 1436.
Molecular consequence: frameshift variant. On other transcripts: non-coding transcript variant (1), intron variant (2).
Genome position (GRCh38, 1-based): chr13:32,338,661, A deleted. VCF-style (leftmost placement, unchanged base first): chr13-32338660-TA-T. GRCh37 (hg19) VCF-style: chr13-32912797-TA-T.
Other names: c.4306del, p.Ile1436fs (NM_001406719.1, NM_001406720.1); c.1909+5274del (NM_001406721.1); c.425-5897del (NM_001406722.1); short protein forms I1436fs.
Identifiers: ClinVar variation 2819091 (VCV002819091.3), dbSNP rs2548528100, ClinGen allele CA2739277586.